The following is an entry in ClinVar:

NM_001378743.1(CYLD):c.2108+51T>C

Genes: CYLD (CYLD lysine 63 deubiquitinase; plus strand), CYLD-AS2 (CYLD antisense RNA 2; minus strand). Cytogenetic location: 16q12.1.
Variant type: single nucleotide variant.
Coding change: c.2108+51T>C on transcript NM_001378743.1 (MANE Select); 51 bases into the intron after coding-DNA position 2108, T replaced by C.
Molecular consequence: intron variant.
Genome position (GRCh38, 1-based): chr16:50,787,903, T>C. VCF-style: chr16-50787903-T-C. GRCh37 (hg19) VCF-style: chr16-50821814-T-C.
Other names: c.2108+51T>C (NM_015247.3); c.2099+51T>C (NM_001378745.1, NM_001378744.1, NM_001042355.2 and 6 more transcripts); c.2069+51T>C (NM_001378753.1, NM_001378751.1, NM_001378752.1); c.1433+51T>C (NM_001378754.1, NM_001378755.1).
Identifiers: ClinVar variation 1800470 (VCV001800470.1), dbSNP rs368638871, ClinGen allele CA8052548.

ClinVar aggregate classification (germline): Likely benign (1 of 4 stars; one submission).

Allele frequency attached by ClinVar (database versions not stated): gnomAD exomes 0.00039; ExAC 0.00123; 1000 Genomes Project 0.00319; 1000 Genomes Project 30x 0.00344; gnomAD 0.00354; TOPMed 0.00399; ESP Exome Variant Server 0.00404.
gnomAD v4.1: 895 of 1,033,320 alleles (0.087%); highest among the groups gnomAD compares: African/African-American, 1.3%; 7 homozygotes.

Submission:

GeneDx
Classification: Likely benign. Last evaluated: 2018-06-23. Review status: criteria provided, single submitter. Criteria: GeneDx Variant Classification Process June 2021. Collection method: clinical testing. Allele origin: germline. Affected: yes.
Comment: See Variant Classification Assertion Criteria.